The following is an entry in ClinVar:

ClinVar aggregate classification (germline): Uncertain significance (1 of 4 stars; one submission).

Submission:

GeneDx
Classification: Uncertain significance. Last evaluated: 2023-07-21. Review status: criteria provided, single submitter. Criteria: GeneDx Variant Classification Process June 2021. Collection method: clinical testing. Allele origin: germline. Affected: yes.
Comment: Not observed at significant frequency in large population cohorts (gnomAD); In silico analysis supports that this missense variant has a deleterious effect on protein structure/function; Has not been previously published as pathogenic or benign to our knowledge

NM_006445.4(PRPF8):c.5898C>G (p.His1966Gln)

Gene: PRPF8 (pre-mRNA processing factor 8; minus strand). Cytogenetic location: 17p13.3.
Variant type: single nucleotide variant.
Coding change: c.5898C>G on transcript NM_006445.4 (MANE Select); coding-DNA position 5898, C replaced by G.
Protein change: p.His1966Gln; replaces histidine 1966 with glutamine.
Molecular consequence: missense variant.
Genome position (GRCh38, 1-based): chr17:1,655,439, G>C on the plus strand (C>G on the coding strand, the complement: PRPF8 is on the minus strand). VCF-style: chr17-1655439-G-C. GRCh37 (hg19) VCF-style: chr17-1558733-G-C.
Other names: short protein forms H1966Q.
Identifiers: ClinVar variation 3361204 (VCV003361204.1).